The following is an entry in ClinVar:

ClinVar aggregate classification (germline): Uncertain significance (1 of 4 stars; one submission).

Submission:

GeneDx
Classification: Uncertain significance. Last evaluated: 2024-06-06. Review status: criteria provided, single submitter. Criteria: GeneDx Variant Classification Process June 2021. Collection method: clinical testing. Allele origin: germline. Affected: yes.
Comment: Not observed at significant frequency in large population cohorts (gnomAD); In silico analysis supports that this missense variant has a deleterious effect on protein structure/function; Has not been previously published as pathogenic or benign to our knowledge

NM_003128.3(SPTBN1):c.838A>G (p.Met280Val)

Gene: SPTBN1 (spectrin beta, non-erythrocytic 1; plus strand). Cytogenetic location: 2p16.2.
Variant type: single nucleotide variant.
Coding change: c.838A>G on transcript NM_003128.3 (MANE Select); coding-DNA position 838, A replaced by G.
Protein change: p.Met280Val; replaces methionine 280 with valine.
Molecular consequence: missense variant.
Genome position (GRCh38, 1-based): chr2:54,621,474, A>G. VCF-style: chr2-54621474-A-G. GRCh37 (hg19) VCF-style: chr2-54848611-A-G.
Other names: c.799A>G, p.Met267Val (NM_178313.3); short protein forms M267V, M280V.
Identifiers: ClinVar variation 3390729 (VCV003390729.1).